The following is an entry in ClinVar:

NM_001329943.3(KIAA0586):c.2504_2508del (p.Leu835fs)

Gene: KIAA0586 (KIAA0586; plus strand). Cytogenetic location: 14q23.1.
Variant type: Deletion.
Coding change: c.2504_2508del on transcript NM_001329943.3 (MANE Select); coding-DNA positions 2504 to 2508, 5 bases deleted (TGTCT; older notation c.2504_2508delTGTCT).
Protein change: p.Leu835fs; shifts the reading frame from leucine 835.
Molecular consequence: frameshift variant.
Genome position (GRCh38, 1-based): chr14:58,470,674-58,470,678, TGTCT deleted. VCF-style (leftmost placement, unchanged base first): chr14-58470673-CTGTCT-C. GRCh37 (hg19) VCF-style: chr14-58937391-CTGTCT-C.
Other names: c.2663_2667del, p.Leu888fs (NM_001244189.2); c.2459_2463del, p.Leu820fs (NM_001244190.2); c.2249_2253del, p.Leu750fs (NM_001244191.2, NM_001329945.2, NM_001364700.1 and 1 more transcripts); c.2372_2376del, p.Leu791fs (NM_001244192.2); c.2084_2088del, p.Leu695fs (NM_001244193.2); c.2504_2508del, p.Leu835fs (NM_001329944.2, NM_001329946.2, NM_001329947.2); c.2276_2280del, p.Leu759fs (NM_014749.5); c.2276_2280delTGTCT (NM_014749.3); short protein forms L695fs, L759fs, L820fs, L835fs, L791fs, L888fs, L750fs.
Identifiers: ClinVar variation 542183 (VCV000542183.12), dbSNP rs1410766981, ClinGen allele CA486543165.
Genomic context (GRCh38, chr14:58,470,673, plus strand): 5'-GTATTACCCAGTGTAGATATTGACAGCATTTCAAATAGTAGTGCTGATGTCCTTTCACCT[CTGTCT>C]AGCCCCAAAGAAGCATCTCTTCCTCCTGTGCAAACTTGGATAAAGGTATATTTCAGAATT-3'

ClinVar aggregate classification (germline): Pathogenic/Likely pathogenic. Review status: criteria provided, multiple submitters, no conflicts (2 of 4 stars). 3 submissions from 3 submitters: Pathogenic (2); Likely pathogenic (1). Last evaluated 2025-11-24.

Conditions:
Joubert syndrome 23 (JBTS23). Identifiers: Orphanet 475, MedGen C4084822, MONDO:0014664, OMIM 616490.
Short-rib thoracic dysplasia 14 with polydactyly (SRTD14). Identifiers: Orphanet 397715, MedGen C4225286, MONDO:0014688, OMIM 616546.
Inborn genetic diseases. Identifiers: MedGen C0950123, MeSH D030342.

Allele frequency attached by ClinVar (database versions not stated): gnomAD exomes 0.00001; gnomAD 0.00001; TOPMed 0.00001.

Submissions (3):

Labcorp Genetics (formerly Invitae), Labcorp
Classification: Pathogenic for Joubert syndrome 23; Short-rib thoracic dysplasia 14 with polydactyly. Last evaluated: 2025-11-24. Review status: criteria provided, single submitter. Criteria: Invitae Variant Classification Sherloc (09022015). Collection method: clinical testing. Allele origin: germline.
Comment: This sequence change creates a premature translational stop signal (p.Leu888Glnfs*24) in the KIAA0586 gene. It is expected to result in an absent or disrupted protein product. Loss-of-function variants in KIAA0586 are known to be pathogenic (PMID: 26096313, 26166481, 26386044). This variant is not present in population databases (gnomAD no frequency). This premature translational stop signal has been observed in individual(s) with Joubert syndrome (PMID: 26096313). ClinVar contains an entry for this variant (Variation ID: 542183). For these reasons, this variant has been classified as Pathogenic.

Genetic Services Laboratory, University of Chicago
Classification: Likely pathogenic. Last evaluated: 2024-06-10. Review status: criteria provided, single submitter. Criteria: ACMG Guidelines, 2015. Collection method: clinical testing. Allele origin: germline. Affected: yes.
Comment: DNA sequence analysis of the KIAA0586 gene demonstrated a 5 base pair deletion in exon 19, c.2663_2667del. This likely pathogenic sequence change results in an amino acid frameshift and a premature stop codon 24 amino acids downstream of the change, p.Leu888Glnfs*24. This sequence change is predicted to result in an abnormal transcript, which may be degraded, or may lead to the production of a truncated KIAA0586 protein with potentially abnormal function. This sequence change has been described in the gnomAD database with a frequency of 0.0013% in the African subpopulation (dbSNP rs1410766981). This sequence change has been previously identified in the heterozygous state in one individual with Joubert syndrome (PMID: 26096313). The individual in this publication was found to have an additional heterozygous pathogenic variant in the AHI1 gene, also associated with Joubert syndrome (PMID: 26096313). Collectively, this evidence indicates that this sequence change is likely pathogenic.

Ambry Genetics
Classification: Pathogenic for Inborn genetic diseases. Last evaluated: 2023-03-02. Review status: criteria provided, single submitter. Criteria: Ambry Variant Classification Scheme 2023. Collection method: clinical testing. Allele origin: germline.
Comment: The c.2276_2280delTGTCT (p.L759Qfs*24) alteration, located in coding exon 16 of the KIAA0586 gene, consists of a deletion of 5 nucleotides at nucleotide positions 2276 to 2280, causing a translational frameshift with a predicted alternate stop codon after 24 amino acids. This alteration is expected to result in loss of function by premature protein truncation or nonsense-mediated mRNA decay. This variant was not reported in population-based cohorts in the Genome Aggregation Database (gnomAD). Based on the available evidence, this alteration is classified as pathogenic.

Literature cited by the submitters: PubMed 26096313 (cited by Labcorp Genetics (formerly Invitae), Labcorp); PubMed 26166481 (cited by Labcorp Genetics (formerly Invitae), Labcorp); PubMed 26386044 (cited by Labcorp Genetics (formerly Invitae), Labcorp).